The following is an entry in ClinVar:

NM_000781.3(CYP11A1):c.438C>T (p.Ala146=)

Gene: CYP11A1 (cytochrome P450 family 11 subfamily A member 1; minus strand). Cytogenetic location: 15q24.1.
Variant type: single nucleotide variant.
Coding change: c.438C>T on transcript NM_000781.3 (MANE Select); coding-DNA position 438, C replaced by T.
Protein change: p.Ala146=; no amino-acid change (alanine 146 retained).
Molecular consequence: synonymous variant. On other transcripts: 5 prime UTR variant (1).
Genome position (GRCh38, 1-based): chr15:74,345,231, G>A on the plus strand (C>T on the coding strand, the complement: CYP11A1 is on the minus strand). VCF-style: chr15-74345231-G-A. GRCh37 (hg19) VCF-style: chr15-74637572-G-A.
Other names: c.-37C>T (NM_001099773.2).
Identifiers: ClinVar variation 712169 (VCV000712169.11), dbSNP rs141920628, ClinGen allele CA7656565.

ClinVar aggregate classification (germline): Benign/Likely benign. Review status: criteria provided, multiple submitters, no conflicts (2 of 4 stars). 4 submissions from 4 submitters: Benign (1); Likely benign (2). 1 of the submissions does not count toward it. Last evaluated 2026-02-04.

Conditions:
CYP11A1-related disorder. Also called: CYP11A1-related condition.
Congenital adrenal insufficiency with 46, XY sex reversal OR 46,XY disorder of sex development-adrenal insufficiency due to CYP11A1 deficiency. Also called: P450scc DEFICIENCY; Congenital adrenal insuffiency with 46, XY sex reversal OR 46,XY disorder of sex development-adrenal insufficiency due to CYP11A1 deficiency. Identifiers: Orphanet 168558, MedGen C3151055, MONDO:0013400, OMIM 613743.

Allele frequency attached by ClinVar (database versions not stated): gnomAD exomes 0.00021 and 0.00049; ExAC 0.00059; gnomAD 0.00178 and 0.00189; TOPMed 0.00188; ESP Exome Variant Server 0.00200; 1000 Genomes Project 30x 0.00281; 1000 Genomes Project 0.00339.
gnomAD v4.1: 585 of 1,614,174 alleles (0.036%); highest among the groups gnomAD compares: African/African-American, 0.69%; 1 homozygote.

Submissions (4):

Labcorp Genetics (formerly Invitae), Labcorp
Classification: Benign. Last evaluated: 2026-02-04. Review status: criteria provided, single submitter. Criteria: Invitae Variant Classification Sherloc (09022015). Collection method: clinical testing. Allele origin: germline.

Blueprint Genetics
Classification: Likely benign. Last evaluated: 2024-10-09. Review status: criteria provided, single submitter. Criteria: ACMG Guidelines, 2015. Collection method: clinical testing. Allele origin: germline.

Fulgent Genetics
Classification: Likely benign for Congenital adrenal insufficiency with 46, XY sex reversal OR 46,XY disorder of sex development-adrenal insufficiency due to CYP11A1 deficiency. Last evaluated: 2021-08-09. Review status: criteria provided, single submitter. Criteria: ACMG Guidelines, 2015. Collection method: clinical testing. Allele origin: unknown.

PreventionGenetics, part of Exact Sciences
Classification: Likely benign for CYP11A1-related condition. Last evaluated: 2019-04-30. Review status: no assertion criteria provided. Collection method: clinical testing. Allele origin: germline. Not counted in ClinVar's aggregate classification.
Comment: This variant is classified as likely benign based on ACMG/AMP sequence variant interpretation guidelines (Richards et al. 2015 PMID: 25741868, with internal and published modifications).